The following is an entry in ClinVar:

ClinVar aggregate classification (germline): Pathogenic (1 of 4 stars; one submission).

Conditions:
KBG syndrome (KBGS). Also called: ANKRD11-Related KBG Syndrome. Identifiers: Orphanet 2332, MedGen C0220687, MONDO:0007846, OMIM 148050.

Submission:

Labcorp Genetics (formerly Invitae), Labcorp
Classification: Pathogenic for KBG syndrome. Last evaluated: 2021-04-28. Review status: criteria provided, single submitter. Criteria: Invitae Variant Classification Sherloc (09022015). Collection method: clinical testing. Allele origin: germline.
Comment: This sequence change creates a premature translational stop signal (p.Asp723Argfs*19) in the ANKRD11 gene. It is expected to result in an absent or disrupted protein product. Loss-of-function variants in ANKRD11 are known to be pathogenic (PMID: 21782149, 25125236, 25413698, 25652421). For these reasons, this variant has been classified as Pathogenic. This variant has not been reported in the literature in individuals with ANKRD11-related conditions. This variant is not present in population databases (ExAC no frequency).

Literature cited by the submitters: PubMed 21782149; PubMed 25125236; PubMed 25413698; PubMed 25652421.

NM_013275.6(ANKRD11):c.2166dup (p.Asp723fs)

Gene: ANKRD11 (ankyrin repeat domain 11; minus strand). Cytogenetic location: 16q24.3.
Variant type: Duplication.
Coding change: c.2166dup on transcript NM_013275.6 (MANE Select); coding-DNA position 2166, one base duplicated (A; older notation c.2166dupA).
Protein change: p.Asp723fs; shifts the reading frame from aspartic acid 723.
Molecular consequence: frameshift variant.
Genome position (GRCh38, 1-based): chr16:89,284,376, T duplicated on the plus strand (A on the coding strand, the reverse complement: ANKRD11 is on the minus strand); the first of 3 consecutive T bases (chr16:89,284,376-89,284,378); duplicating any one gives the same sequence. VCF-style (leftmost placement, unchanged base first): chr16-89284375-C-CT. GRCh37 (hg19) VCF-style: chr16-89350783-C-CT.
Other names: c.2166dup, p.Asp723fs (NM_001256182.2, NM_001256183.2); short protein forms D723fs.
Identifiers: ClinVar variation 1427470 (VCV001427470.6), dbSNP rs2151761217, ClinGen allele CA2573152764.